The following is an entry in ClinVar:

ClinVar aggregate classification (germline): Uncertain significance (1 of 4 stars; one submission).

Submission:

Ambry Genetics
Classification: Uncertain significance. Last evaluated: 2025-07-13. Review status: criteria provided, single submitter. Criteria: Ambry Variant Classification Scheme 2023. Collection method: clinical testing. Allele origin: germline.
Comment: The p.L199F variant (also known as c.597A>C), located in coding exon 1 of the TET2 gene, results from an A to C substitution at nucleotide position 597. The leucine at codon 199 is replaced by phenylalanine, an amino acid with highly similar properties. This amino acid position is conserved. In addition, this alteration is predicted to be tolerated by in silico analysis. Based on the available evidence, the clinical significance of this variant remains unclear.

NM_001127208.3(TET2):c.597A>C (p.Leu199Phe)

Genes: TET2 (tet methylcytosine dioxygenase 2; plus strand), TET2-AS1 (TET2 antisense RNA 1; minus strand). Cytogenetic location: 4q24.
Variant type: single nucleotide variant.
Coding change: c.597A>C on transcript NM_001127208.3 (MANE Select); coding-DNA position 597, A replaced by C.
Protein change: p.Leu199Phe; replaces leucine 199 with phenylalanine.
Molecular consequence: missense variant.
Genome position (GRCh38, 1-based): chr4:105,234,539, A>C. VCF-style: chr4-105234539-A-C. GRCh37 (hg19) VCF-style: chr4-106155696-A-C.
Other names: c.597A>C, p.Leu199Phe (NM_017628.4); short protein forms L199F.
Identifiers: ClinVar variation 4182963 (VCV004182963.1).